The following is an entry in ClinVar:

NM_005909.5(MAP1B):c.2045AAG[1] (p.Glu683del)

Gene: MAP1B (microtubule associated protein 1B; plus strand). Cytogenetic location: 5q13.2.
Variant type: Microsatellite.
Coding change: c.2045AAG[1] on transcript NM_005909.5 (MANE Select); one copy of the 3-base unit AAG starting at c.2045; the reference has two copies in a row; one copy, 3 bases deleted.
Protein change: p.Glu683del; deletes glutamic acid 683.
Molecular consequence: inframe deletion.
Genome position (GRCh38, 1-based): chr5:72,195,403-72,195,405, AAG deleted; deleting any 3 consecutive bases within chr5:72,195,400-72,195,405 gives the same sequence; the position shown is the placement nearest the transcript's 3' end. VCF-style (leftmost placement, unchanged base first): chr5-72195399-AAAG-A. GRCh37 (hg19) VCF-style: chr5-71491226-AAAG-A.
Other names: c.1667AAG[1], p.Glu557del (NM_001324255.2); c.2048_2050delAAG (NM_005909.4); short protein forms E557del, E683del.
Identifiers: ClinVar variation 2655512 (VCV002655512.25), dbSNP rs768482904, ClinGen allele CA3298771.
Genomic context (GRCh38, chr5:72,195,399, plus strand): 5'-AAAAAGGAGGACAAAACACCTATCAAGAAGGAGGAAAAACCAAAAAAGGAAGAGGTGAAA[AAAG>A]AAGTCAAAAAAGAGATCAAGAAAGAAGAGAAAAAAGAACCCAAGAAAGAGGTTAAGAAAG-3'

ClinVar aggregate classification (germline): Conflicting classifications of pathogenicity. Review status: criteria provided, conflicting classifications (1 of 4 stars). 2 submissions from 2 submitters: Uncertain significance (1); Likely benign (1). Last evaluated 2026-07-21.

Conditions:
MAP1B-related disorder. Also called: MAP1B-related condition.

Submissions (2):

PreventionGenetics, part of Exact Sciences
Classification: Uncertain significance for MAP1B-related condition. Last evaluated: 2026-07-21. Review status: criteria provided, single submitter. Criteria: ACMG Guidelines, 2015. Collection method: clinical testing. Allele origin: germline.
Comment: The MAP1B c.2048_2050delAAG variant is predicted to result in an in-frame deletion (p.Glu683del). To our knowledge, this variant has not been reported in the literature. This variant is reported in 0.017% of alleles in individuals of European (Non-Finnish) descent in gnomAD. Although we suspect that this variant may be benign, at this time, the clinical significance of this variant is uncertain due to the absence of conclusive functional and genetic evidence.

CeGaT Center for Human Genetics Tuebingen
Classification: Likely benign. Last evaluated: 2023-10-01. Review status: criteria provided, single submitter. Criteria: CeGaT Center For Human Genetics Tuebingen Variant Classification Criteria Version 2. Collection method: clinical testing. Allele origin: germline. Affected: yes. Observed: 1 variant allele.
Comment: MAP1B: BS2